The following is an entry in ClinVar:

NM_000083.3(CLCN1):c.2089C>A (p.Leu697Ile)

Genes: CLCN1 (chloride voltage-gated channel 1; plus strand), LOC123956257 (Sharpr-MPRA regulatory region 4117; plus strand). Cytogenetic location: 7q34.
Variant type: single nucleotide variant.
Coding change: c.2089C>A on transcript NM_000083.3 (MANE Select); coding-DNA position 2089, C replaced by A.
Protein change: p.Leu697Ile; replaces leucine 697 with isoleucine.
Molecular consequence: missense variant. On other transcripts: non-coding transcript variant (1).
Genome position (GRCh38, 1-based): chr7:143,345,679, C>A. VCF-style: chr7-143345679-C-A. GRCh37 (hg19) VCF-style: chr7-143042772-C-A.
Other names: short protein forms L697I.
Identifiers: ClinVar variation 1382035 (VCV001382035.8), dbSNP rs2116384407, ClinGen allele CA369650329.

ClinVar aggregate classification (germline): Uncertain significance (1 of 4 stars; one submission).

Conditions:
Congenital myotonia, autosomal recessive form. Also called: BECKER DISEASE; Becker Generalized Myotonia; myotonia congenita, autosomal recessive. Identifiers: Orphanet 614, MedGen C0751360, MONDO:0009715, OMIM 255700.
Congenital myotonia, autosomal dominant form (THD). Also called: THOMSEN DISEASE; Myotonia congenita autosomal dominant. Identifiers: Orphanet 614, MedGen C2936781, MONDO:0008055, OMIM 160800.

Submission:

Labcorp Genetics (formerly Invitae), Labcorp
Classification: Uncertain significance for Congenital myotonia, autosomal recessive form; Congenital myotonia, autosomal dominant form. Last evaluated: 2024-03-11. Review status: criteria provided, single submitter. Criteria: Invitae Variant Classification Sherloc (09022015). Collection method: clinical testing. Allele origin: germline.
Comment: This sequence change replaces leucine, which is neutral and non-polar, with isoleucine, which is neutral and non-polar, at codon 697 of the CLCN1 protein (p.Leu697Ile). This variant is not present in population databases (gnomAD no frequency). This variant has not been reported in the literature in individuals affected with CLCN1-related conditions. ClinVar contains an entry for this variant (Variation ID: 1382035). Advanced modeling of protein sequence and biophysical properties (such as structural, functional, and spatial information, amino acid conservation, physicochemical variation, residue mobility, and thermodynamic stability) performed at Invitae indicates that this missense variant is not expected to disrupt CLCN1 protein function with a negative predictive value of 95%. In summary, the available evidence is currently insufficient to determine the role of this variant in disease. Therefore, it has been classified as a Variant of Uncertain Significance.